The following is an entry in ClinVar:

NM_178822.5(IGSF10):c.501G>A (p.Lys167=)

Gene: IGSF10 (immunoglobulin superfamily member 10; minus strand). Cytogenetic location: 3q25.1.
Variant type: single nucleotide variant.
Coding change: c.501G>A on transcript NM_178822.5 (MANE Select); coding-DNA position 501, G replaced by A.
Protein change: p.Lys167=; no amino-acid change (lysine 167 retained).
Molecular consequence: synonymous variant.
Genome position (GRCh38, 1-based): chr3:151,453,598, C>T on the plus strand (G>A on the coding strand, the complement: IGSF10 is on the minus strand). VCF-style: chr3-151453598-C-T. GRCh37 (hg19) VCF-style: chr3-151171386-C-T.
Other names: c.501G>A, p.Lys167= (NM_001385060.1, NM_001385061.1, NM_001385062.1 and 1 more transcripts).
Identifiers: ClinVar variation 2498939 (VCV002498939.28), dbSNP rs141830647, ClinGen allele CA2670743.

ClinVar aggregate classification (germline): Likely benign (1 of 4 stars; one submission).

Allele frequency attached by ClinVar (database versions not stated): ExAC 0.00003; gnomAD 0.00005; TOPMed 0.00007; ESP Exome Variant Server 0.00008; gnomAD exomes 0.00011.
gnomAD v4.1: 160 of 1,613,870 alleles (0.0099%); highest among the groups gnomAD compares: Non-Finnish European, 0.013%; no homozygotes.

Submission:

CeGaT Center for Human Genetics Tuebingen
Classification: Likely benign. Last evaluated: 2025-06-01. Review status: criteria provided, single submitter. Criteria: CeGaT Center For Human Genetics Tuebingen Variant Classification Criteria Version 2. Collection method: clinical testing. Allele origin: germline. Affected: yes. Observed: 2 variant alleles.
Comment: IGSF10: BP4, BP7